The following is an entry in ClinVar:

NM_033028.5(BBS4):c.1556A>G (p.Lys519Arg)

Gene: BBS4 (Bardet-Biedl syndrome 4; plus strand). Cytogenetic location: 15q24.1.
Variant type: single nucleotide variant.
Coding change: c.1556A>G on transcript NM_033028.5 (MANE Select); coding-DNA position 1556, A replaced by G.
Protein change: p.Lys519Arg; replaces lysine 519 with arginine.
Molecular consequence: missense variant. On other transcripts: non-coding transcript variant (2).
Genome position (GRCh38, 1-based): chr15:72,737,583, A>G. VCF-style: chr15-72737583-A-G. GRCh37 (hg19) VCF-style: chr15-73029924-A-G.
Other names: c.1040A>G, p.Lys347Arg (NM_001252678.2); c.1487A>G, p.Lys496Arg (NM_001320665.2); short protein forms K347R, K496R, K519R.
Identifiers: ClinVar variation 886527 (VCV000886527.13), dbSNP rs758120829, ClinGen allele CA7647069.

ClinVar aggregate classification (germline): Uncertain significance. Review status: criteria provided, multiple submitters, no conflicts (2 of 4 stars). 6 submissions from 6 submitters: Uncertain significance (6). Last evaluated 2026-06-02.

Conditions:
BBS4-related disorder. Also called: BBS4-related condition.
Bardet-Biedl syndrome (BBS). Identifiers: Orphanet 110, MedGen C0752166, MONDO:0015229.
Bardet-Biedl syndrome 4 (BBS4). Identifiers: Orphanet 110, MedGen C2936864, MONDO:0014433, OMIM 615982.

Allele frequency attached by ClinVar (database versions not stated): gnomAD 0.00002; TOPMed 0.00003; gnomAD exomes 0.00006 and 0.00009; ExAC 0.00010.
gnomAD v4.1: 127 of 1,603,348 alleles (0.0079%); highest among the groups gnomAD compares: Middle Eastern, 0.18%; no homozygotes.

Submissions (6):

PreventionGenetics, part of Exact Sciences
Classification: Uncertain significance for BBS4-related condition. Last evaluated: 2026-06-02. Review status: criteria provided, single submitter. Criteria: ACMG Guidelines, 2015. Collection method: clinical testing. Allele origin: germline.
Comment: The BBS4 c.1556A>G variant is predicted to result in the amino acid substitution p.Lys519Arg. To our knowledge, this variant has not been reported in the literature. This variant is reported in 0.011% of alleles in individuals of European (Non-Finnish) descent in gnomAD. At this time, the clinical significance of this variant is uncertain due to the absence of conclusive functional and genetic evidence.

Blueprint Genetics
Classification: Uncertain significance. Last evaluated: 2024-09-30. Review status: criteria provided, single submitter. Criteria: ACMG Guidelines, 2015. Collection method: clinical testing. Allele origin: germline.

Fulgent Genetics
Classification: Uncertain significance for Bardet-Biedl syndrome 4. Last evaluated: 2024-06-17. Review status: criteria provided, single submitter. Criteria: ACMG Guidelines, 2015. Collection method: clinical testing. Allele origin: germline.

GeneDx
Classification: Uncertain significance. Last evaluated: 2022-11-27. Review status: criteria provided, single submitter. Criteria: GeneDx Variant Classification Process June 2021. Collection method: clinical testing. Allele origin: germline. Affected: yes.
Comment: In silico analysis supports that this missense variant does not alter protein structure/function; Has not been previously published as pathogenic or benign to our knowledge

Labcorp Genetics (formerly Invitae), Labcorp
Classification: Uncertain significance for Bardet-Biedl syndrome. Last evaluated: 2022-08-02. Review status: criteria provided, single submitter. Criteria: Invitae Variant Classification Sherloc (09022015). Collection method: clinical testing. Allele origin: germline.
Comment: This sequence change replaces lysine, which is basic and polar, with arginine, which is basic and polar, at codon 519 of the BBS4 protein (p.Lys519Arg). This variant is present in population databases (rs758120829, gnomAD 0.01%). This variant has not been reported in the literature in individuals affected with BBS4-related conditions. ClinVar contains an entry for this variant (Variation ID: 886527). Algorithms developed to predict the effect of missense changes on protein structure and function (SIFT, PolyPhen-2, Align-GVGD) all suggest that this variant is likely to be tolerated. In summary, the available evidence is currently insufficient to determine the role of this variant in disease. Therefore, it has been classified as a Variant of Uncertain Significance.

Illumina Laboratory Services, Illumina
Classification: Uncertain significance for Bardet-Biedl syndrome 4. Last evaluated: 2018-01-13. Review status: criteria provided, single submitter. Criteria: ICSL Variant Classification Criteria 13 December 2019. Collection method: clinical testing. Allele origin: germline.